The following is an entry in ClinVar:

ClinVar aggregate classification (germline): Uncertain significance. Review status: criteria provided, multiple submitters, no conflicts (2 of 4 stars). 2 submissions from 2 submitters: Uncertain significance (2). Last evaluated 2025-06-01.

Conditions:
Inborn genetic diseases. Identifiers: MedGen C0950123, MeSH D030342.

gnomAD v4.1: 1 of 1,529,596 alleles (0.000065%); no homozygotes.

Submissions (2):

CeGaT Center for Human Genetics Tuebingen
Classification: Uncertain significance. Last evaluated: 2025-06-01. Review status: criteria provided, single submitter. Criteria: CeGaT Center For Human Genetics Tuebingen Variant Classification Criteria Version 2. Collection method: clinical testing. Allele origin: germline. Affected: yes. Observed: 1 variant allele.
Comment: NTRK1: PM2

Ambry Genetics
Classification: Uncertain significance for Inborn genetic diseases. Last evaluated: 2021-03-27. Review status: criteria provided, single submitter. Criteria: Ambry Variant Classification Scheme 2023. Collection method: clinical testing. Allele origin: germline.
Comment: The p.G20S variant (also known as c.58G>A), located in coding exon 1 of the NTRK1 gene, results from a G to A substitution at nucleotide position 58. The glycine at codon 20 is replaced by serine, an amino acid with similar properties. This amino acid position is highly conserved in available vertebrate species. In addition, this alteration is predicted to be tolerated by in silico analysis. Since supporting evidence is limited at this time, the clinical significance of this alteration remains unclear.

NM_002529.4(NTRK1):c.58G>A (p.Gly20Ser)

Gene: NTRK1 (neurotrophic receptor tyrosine kinase 1; plus strand). Cytogenetic location: 1q23.1.
Variant type: single nucleotide variant.
Coding change: c.58G>A on transcript NM_002529.4 (MANE Select); coding-DNA position 58, G replaced by A.
Protein change: p.Gly20Ser; replaces glycine 20 with serine.
Molecular consequence: missense variant. On other transcripts: intron variant (1).
Genome position (GRCh38, 1-based): chr1:156,860,992, G>A. VCF-style: chr1-156860992-G-A. GRCh37 (hg19) VCF-style: chr1-156830784-G-A.
Other names: c.58G>A, p.Gly20Ser (NM_001007204.1, NM_001012331.2); c.123-3362G>A (NM_001007792.1); short protein forms G20S.
Identifiers: ClinVar variation 1750392 (VCV001750392.12), dbSNP rs1209117147, ClinGen allele CA342929155.